The following is an entry in ClinVar:

ClinVar aggregate classification (germline): Likely benign. Review status: criteria provided, multiple submitters, no conflicts (2 of 4 stars). 3 submissions from 3 submitters: Likely benign (3). Last evaluated 2024-05-01.

Allele frequency attached by ClinVar (database versions not stated): 1000 Genomes Project 0.00140; 1000 Genomes Project 30x 0.00141; gnomAD exomes 0.00338 and 0.00502; gnomAD 0.00352 and 0.00386; ExAC 0.00374; TOPMed 0.00379; ESP Exome Variant Server 0.00391.
gnomAD v4.1: 7,799 of 1,609,340 alleles (0.48%); highest among the groups gnomAD compares: Non-Finnish European, 0.61%; 23 homozygotes.

Submissions (3):

CeGaT Center for Human Genetics Tuebingen
Classification: Likely benign. Last evaluated: 2024-05-01. Review status: criteria provided, single submitter. Criteria: CeGaT Center For Human Genetics Tuebingen Variant Classification Criteria Version 2. Collection method: clinical testing. Allele origin: germline. Affected: yes. Observed: 1 variant allele.
Comment: ZNF236: BS2

Labcorp Genetics (formerly Invitae), Labcorp
Classification: Likely benign. Last evaluated: 2018-04-07. Review status: criteria provided, single submitter. Criteria: Invitae Variant Classification Sherloc (09022015). Collection method: clinical testing. Allele origin: germline.

Breakthrough Genomics
Classification: Likely benign. Review status: criteria provided, single submitter. Criteria: ACMG Guidelines, 2015. Collection method: not provided. Allele origin: germline. Inheritance: Unknown mechanism. Affected: yes.

NM_001306089.2(ZNF236):c.1931A>C (p.Gln644Pro)

Gene: ZNF236 (zinc finger protein 236; plus strand). Cytogenetic location: 18q23.
Variant type: single nucleotide variant.
Coding change: c.1931A>C on transcript NM_001306089.2 (MANE Select); coding-DNA position 1931, A replaced by C.
Protein change: p.Gln644Pro; replaces glutamine 644 with proline.
Molecular consequence: missense variant.
Genome position (GRCh38, 1-based): chr18:76,904,416, A>C. VCF-style: chr18-76904416-A-C. GRCh37 (hg19) VCF-style: chr18-74616372-A-C.
Other names: c.1925A>C, p.Gln642Pro (NM_007345.4); short protein forms Q642P, Q644P.
Identifiers: ClinVar variation 770453 (VCV000770453.23), dbSNP rs189873475, ClinGen allele CA9004233.